The following is an entry in ClinVar:

NM_021930.6(RINT1):c.1145A>G (p.Glu382Gly)

Gene: RINT1 (RAD50 interactor 1; plus strand). Cytogenetic location: 7q22.3.
Variant type: single nucleotide variant.
Coding change: c.1145A>G on transcript NM_021930.6 (MANE Select); coding-DNA position 1145, A replaced by G.
Protein change: p.Glu382Gly; replaces glutamic acid 382 with glycine.
Molecular consequence: missense variant. On other transcripts: non-coding transcript variant (1).
Genome position (GRCh38, 1-based): chr7:105,550,298, A>G. VCF-style: chr7-105550298-A-G. GRCh37 (hg19) VCF-style: chr7-105190745-A-G.
Other names: c.911A>G, p.Glu304Gly (NM_001346599.2); c.122A>G, p.Glu41Gly (NM_001346600.2, NM_001346603.2); c.221A>G, p.Glu74Gly (NM_001346601.2); short protein forms E304G, E382G, E41G, E74G.
Identifiers: ClinVar variation 3227589 (VCV003227589.1), dbSNP rs2485132886, ClinGen allele CA368808893.

ClinVar aggregate classification (germline): Uncertain significance (1 of 4 stars; one submission).

Submission:

Ambry Genetics
Classification: Uncertain significance. Last evaluated: 2024-01-01. Review status: criteria provided, single submitter. Criteria: Ambry Variant Classification Scheme 2023. Collection method: clinical testing. Allele origin: germline.
Comment: The p.E382G variant (also known as c.1145A>G), located in coding exon 9 of the RINT1 gene, results from an A to G substitution at nucleotide position 1145. The glutamic acid at codon 382 is replaced by glycine, an amino acid with similar properties. This amino acid position is conserved. In addition, the in silico prediction for this alteration is inconclusive. Since supporting evidence is limited at this time, the clinical significance of this alteration remains unclear.